The following is an entry in ClinVar:

NM_001211.6(BUB1B):c.482A>T (p.Glu161Val)

Gene: BUB1B (BUB1 mitotic checkpoint serine/threonine kinase B; plus strand). Cytogenetic location: 15q15.1.
Variant type: single nucleotide variant.
Coding change: c.482A>T on transcript NM_001211.6 (MANE Select); coding-DNA position 482, A replaced by T.
Protein change: p.Glu161Val; replaces glutamic acid 161 with valine.
Molecular consequence: missense variant.
Genome position (GRCh38, 1-based): chr15:40,176,574, A>T. VCF-style: chr15-40176574-A-T. GRCh37 (hg19) VCF-style: chr15-40468775-A-T.
Other names: short protein forms E161V.
Identifiers: ClinVar variation 2450824 (VCV002450824.2), dbSNP rs2542524139, ClinGen allele CA391681257.

ClinVar aggregate classification (germline): Uncertain significance (1 of 4 stars; one submission).

Conditions:
Inborn genetic diseases. Identifiers: MedGen C0950123, MeSH D030342.

Submission:

Ambry Genetics
Classification: Uncertain significance for Inborn genetic diseases. Last evaluated: 2023-01-14. Review status: criteria provided, single submitter. Criteria: Ambry Variant Classification Scheme 2023. Collection method: clinical testing. Allele origin: germline.
Comment: The p.E161V variant (also known as c.482A>T), located in coding exon 5 of the BUB1B gene, results from an A to T substitution at nucleotide position 482. The glutamic acid at codon 161 is replaced by valine, an amino acid with dissimilar properties. This amino acid position is conserved. In addition, this alteration is predicted to be tolerated by in silico analysis. Since supporting evidence is limited at this time, the clinical significance of this alteration remains unclear.